The following is an entry in ClinVar:

ClinVar aggregate classification (germline): Uncertain significance. Review status: criteria provided, multiple submitters, no conflicts (2 of 4 stars). 4 submissions from 4 submitters: Uncertain significance (4). Last evaluated 2025-10-15.

Conditions:
Hereditary cancer-predisposing syndrome. Also called: Hereditary Cancer Syndrome; Hereditary neoplastic syndrome; Neoplastic Syndromes, Hereditary; Tumor predisposition. Identifiers: Orphanet 140162, MedGen C0027672, MeSH D009386, MONDO:0015356.

Allele frequency attached by ClinVar (database versions not stated): gnomAD exomes below 0.00001 and 0.00003; TOPMed below 0.00001; ExAC 0.00001.
gnomAD v4.1: 26 of 1,614,056 alleles (0.0016%); highest among the groups gnomAD compares: Non-Finnish European, 0.0022%; no homozygotes.

Submissions (4):

Labcorp Genetics (formerly Invitae), Labcorp
Classification: Uncertain significance. Last evaluated: 2025-10-15. Review status: criteria provided, single submitter. Criteria: Invitae Variant Classification Sherloc (09022015). Collection method: clinical testing. Allele origin: germline.
Comment: This sequence change replaces isoleucine, which is neutral and non-polar, with valine, which is neutral and non-polar, at codon 2070 of the POLE protein (p.Ile2070Val). This variant is present in population databases (rs763607284, gnomAD 0.0009%). This variant has not been reported in the literature in individuals affected with POLE-related conditions. ClinVar contains an entry for this variant (Variation ID: 405663). Invitae Evidence Modeling of protein sequence and biophysical properties (such as structural, functional, and spatial information, amino acid conservation, physicochemical variation, residue mobility, and thermodynamic stability) indicates that this missense variant is not expected to disrupt POLE protein function with a negative predictive value of 80%. In summary, the available evidence is currently insufficient to determine the role of this variant in disease. Therefore, it has been classified as a Variant of Uncertain Significance.

Ambry Genetics
Classification: Uncertain significance for Hereditary cancer-predisposing syndrome. Last evaluated: 2025-04-28. Review status: criteria provided, single submitter. Criteria: Ambry Variant Classification Scheme 2023. Collection method: clinical testing. Allele origin: germline.
Comment: The p.I2070V variant (also known as c.6208A>G), located in coding exon 45 of the POLE gene, results from an A to G substitution at nucleotide position 6208. The isoleucine at codon 2070 is replaced by valine, an amino acid with highly similar properties. This amino acid position is conserved. In addition, this alteration is predicted to be tolerated by in silico analysis. Based on the available evidence, the clinical significance of this variant remains unclear.

Women's Health and Genetics/Laboratory Corporation of America, LabCorp
Classification: Uncertain significance. Last evaluated: 2023-09-07. Review status: criteria provided, single submitter. Criteria: LabCorp Variant Classification Summary - May 2015. Collection method: clinical testing. Allele origin: germline.

GeneDx
Classification: Uncertain significance. Last evaluated: 2022-09-26. Review status: criteria provided, single submitter. Criteria: GeneDx Variant Classification Process June 2021. Collection method: clinical testing. Allele origin: germline. Affected: yes.
Comment: Not observed at significant frequency in large population cohorts (gnomAD); In silico analysis supports that this missense variant does not alter protein structure/function; Has not been previously published as pathogenic or benign to our knowledge

NM_006231.4(POLE):c.6208A>G (p.Ile2070Val)

Gene: POLE (DNA polymerase epsilon, catalytic subunit; minus strand). Cytogenetic location: 12q24.33.
Variant type: single nucleotide variant.
Coding change: c.6208A>G on transcript NM_006231.4 (MANE Select); coding-DNA position 6208, A replaced by G.
Protein change: p.Ile2070Val; replaces isoleucine 2070 with valine.
Molecular consequence: missense variant.
Genome position (GRCh38, 1-based): chr12:132,632,437, T>C on the plus strand (A>G on the coding strand, the complement: POLE is on the minus strand). VCF-style: chr12-132632437-T-C. GRCh37 (hg19) VCF-style: chr12-133209023-T-C.
Other names: short protein forms I2070V.
Identifiers: ClinVar variation 405663 (VCV000405663.12), dbSNP rs763607284, ClinGen allele CA6892250.